The following is an entry in ClinVar:

ClinVar aggregate classification (germline): Uncertain significance (1 of 4 stars; one submission).

Submission:

Labcorp Genetics (formerly Invitae), Labcorp
Classification: Uncertain significance. Last evaluated: 2025-03-07. Review status: criteria provided, single submitter. Criteria: Invitae Variant Classification Sherloc (09022015). Collection method: clinical testing. Allele origin: germline.
Comment: This sequence change replaces threonine, which is neutral and polar, with serine, which is neutral and polar, at codon 651 of the HGF protein (p.Thr651Ser). This variant is not present in population databases (gnomAD no frequency). This variant has not been reported in the literature in individuals affected with HGF-related conditions. ClinVar contains an entry for this variant (Variation ID: 2044270). An algorithm developed to predict the effect of missense changes on protein structure and function (PolyPhen-2) suggests that this variant is likely to be disruptive. In summary, the available evidence is currently insufficient to determine the role of this variant in disease. Therefore, it has been classified as a Variant of Uncertain Significance.

NM_000601.6(HGF):c.1951A>T (p.Thr651Ser)

Gene: HGF (hepatocyte growth factor; minus strand). Cytogenetic location: 7q21.11.
Variant type: single nucleotide variant.
Coding change: c.1951A>T on transcript NM_000601.6 (MANE Select); coding-DNA position 1951, A replaced by T.
Protein change: p.Thr651Ser; replaces threonine 651 with serine.
Molecular consequence: missense variant.
Genome position (GRCh38, 1-based): chr7:81,705,449, T>A on the plus strand (A>T on the coding strand, the complement: HGF is on the minus strand). VCF-style: chr7-81705449-T-A. GRCh37 (hg19) VCF-style: chr7-81334765-T-A.
Other names: c.1936A>T, p.Thr646Ser (NM_001010932.3); short protein forms T646S, T651S.
Identifiers: ClinVar variation 2044270 (VCV002044270.4), dbSNP rs2115760467, ClinGen allele CA367872231.